The following is an entry in ClinVar:

ClinVar aggregate classification (germline): Uncertain significance (1 of 4 stars; one submission).

Submission:

GeneDx
Classification: Uncertain significance. Last evaluated: 2024-11-13. Review status: criteria provided, single submitter. Criteria: GeneDx Variant Classification Process June 2021. Collection method: clinical testing. Allele origin: germline. Affected: yes.
Comment: Not observed at significant frequency in large population cohorts (gnomAD); In silico analysis supports that this missense variant has a deleterious effect on protein structure/function; Has not been previously published as pathogenic or benign to our knowledge

NM_015015.3(KDM4B):c.862G>A (p.Glu288Lys)

Gene: KDM4B (lysine demethylase 4B; plus strand). Cytogenetic location: 19p13.3.
Variant type: single nucleotide variant.
Coding change: c.862G>A on transcript NM_015015.3 (MANE Select); coding-DNA position 862, G replaced by A.
Protein change: p.Glu288Lys; replaces glutamic acid 288 with lysine.
Molecular consequence: missense variant.
Genome position (GRCh38, 1-based): chr19:5,082,448, G>A. VCF-style: chr19-5082448-G-A. GRCh37 (hg19) VCF-style: chr19-5082459-G-A.
Other names: c.862G>A, p.Glu288Lys (NM_001370094.1, NM_001411148.1, NM_001370093.1); short protein forms E288K.
Identifiers: ClinVar variation 3899724 (VCV003899724.1).